The following is an entry in ClinVar:

NC_000007.13:g.(117246808_117250572)_(117250724_117251634)dup

Gene: CFTR (CF transmembrane conductance regulator; plus strand). Cytogenetic location: 7q31.2.
Variant type: Duplication.
Identifiers: ClinVar variation 2682326 (VCV002682326.1).

ClinVar aggregate classification (germline): Likely pathogenic (1 of 4 stars; one submission).

Conditions:
Cystic fibrosis (CF). Also called: MUCOVISCIDOSIS. Identifiers: Orphanet 586, MedGen C0010674, MONDO:0009061, OMIM 219700. Disease mechanism: loss of function.

Submission:

Women's Health and Genetics/Laboratory Corporation of America, LabCorp
Classification: Likely pathogenic for Cystic fibrosis. Last evaluated: 2023-11-04. Review status: criteria provided, single submitter. Criteria: LabCorp Variant Classification Summary - May 2015. Collection method: clinical testing. Allele origin: germline.
Comment: Variant summary: The variant involves the duplication of exon in the CFTR gene. A presumed nomenclature of c.(2988+1_2989-1)_(3139+1_3140-1)dup has been designated for the purposes of this classification. It is assumed to be a tandem duplication in direct orientation (Richardson_GIM_2018, Newman_AJHG_2015). This Copy Number Variant (CNV) is expected to alter the reading frame and predicted to result in a truncation or absence of the encoded protein due to nonsense mediated decay (NMD). The variant was absent in 21694 control chromosomes. The available data on variant occurrences in the general population are insufficient to allow any conclusion about variant significance. To our knowledge, no occurrence of c.(2988+1_2989-1)_(3139+1_3140-1)dup in individuals affected with Cystic Fibrosis and no experimental evidence demonstrating its impact on protein function have been reported. No submitters have cited clinical-significance assessments for this variant to ClinVar after 2014. Based on the evidence outlined above, the variant was classified as likely pathogenic.

Literature cited by the submitters: PubMed 20052766; PubMed 21673536.